The following is an entry in ClinVar:

ClinVar aggregate classification (germline): Likely pathogenic (1 of 4 stars; one submission).

Conditions:
Charlevoix-Saguenay spastic ataxia (SACS). Also called: AUTOSOMAL RECESSIVE SPASTIC ATAXIA OF CHARLEVOIX-SAGUENAY; Spastic ataxia of Charlevoix-Saguenay; SPASTIC ATAXIA 6, AUTOSOMAL RECESSIVE. Identifiers: Orphanet 98, MedGen C1849140, MONDO:0010041, OMIM 270550.

Submission:

Natera, Inc.
Classification: Likely pathogenic for Charlevoix-Saguenay type spastic ataxia. Last evaluated: 2025-03-06. Review status: criteria provided, single submitter. Criteria: Natera Variant Classification Schema (03/2026). Collection method: clinical testing. Allele origin: germline.
Comment: The c.2792dup variant in SACS is a frameshift variant predicted to shift the reading frame beginning at codon 931 and leads to a stop codon 5 codons downstream. This variant is expected to result in nonsense mediated decay, truncation, or a dysfunctional protein product. This variant is rare in the general population with a frequency below the threshold expected for the associated phenotype(s). Given the available evidence, this variant is classified as Likely Pathogenic.

NM_014363.6(SACS):c.2792dup (p.Asn931fs)

Gene: SACS (sacsin molecular chaperone; minus strand). Cytogenetic location: 13q12.12.
Variant type: Duplication.
Coding change: c.2792dup on transcript NM_014363.6 (MANE Select); coding-DNA position 2792, one base duplicated (A; older notation c.2792dupA).
Protein change: p.Asn931fs; shifts the reading frame from asparagine 931.
Molecular consequence: frameshift variant.
Genome position (GRCh38, 1-based): chr13:23,341,084, T duplicated on the plus strand (A on the coding strand, the reverse complement: SACS is on the minus strand); the first of 2 consecutive T bases (chr13:23,341,084-23,341,085); duplicating either gives the same sequence. VCF-style (leftmost placement, unchanged base first): chr13-23341083-G-GT. GRCh37 (hg19) VCF-style: chr13-23915222-G-GT.
Other names: c.2351dup, p.Asn784fs (NM_001278055.2); short protein forms N784fs, N931fs.
Identifiers: ClinVar variation 4061120 (VCV004061120.2).